The following is an entry in ClinVar:

NM_001029896.2(WDR45):c.701G>A (p.Gly234Asp)

Gene: WDR45 (WD repeat domain 45; minus strand). Cytogenetic location: Xp11.23.
Variant type: single nucleotide variant.
Coding change: c.701G>A on transcript NM_001029896.2 (MANE Select); coding-DNA position 701, G replaced by A.
Protein change: p.Gly234Asp; replaces glycine 234 with aspartic acid.
Molecular consequence: missense variant.
Genome position (GRCh38, 1-based): chrX:49,075,569, C>T on the plus strand (G>A on the coding strand, the complement: WDR45 is on the minus strand). VCF-style: chrX-49075569-C-T. GRCh37 (hg19) VCF-style: chrX-48933228-C-T.
Other names: c.704G>A, p.Gly235Asp (NM_007075.4); short protein forms G234D, G235D.
Identifiers: ClinVar variation 3897659 (VCV003897659.2).

ClinVar aggregate classification (germline): Likely pathogenic. Review status: criteria provided, multiple submitters, no conflicts (2 of 4 stars). 2 submissions from 2 submitters: Likely pathogenic (2). Last evaluated 2025-04-07.

Conditions:
Neurodegeneration with brain iron accumulation 5 (NBIA5). Also called: Beta-propeller protein-associated neurodegeneration; STATIC ENCEPHALOPATHY OF CHILDHOOD WITH NEURODEGENERATION IN ADULTHOOD. Identifiers: Orphanet 329284, MedGen C3550973, MONDO:0010476, OMIM 300894.

Submissions (2):

Molecular Genetics, University Hospital Bordeaux
Classification: Likely pathogenic for Neurodegeneration with brain iron accumulation 5. Last evaluated: 2025-04-07. Review status: criteria provided, single submitter. Criteria: ACMG Guidelines, 2015. Collection method: clinical testing. Allele origin: germline. Affected: yes.

3billion
Classification: Likely pathogenic for Neurodegeneration with brain iron accumulation 5. Last evaluated: 2024-08-02. Review status: criteria provided, single submitter. Criteria: ACMG Guidelines, 2015. Collection method: clinical testing. Allele origin: germline. Affected: yes.
Comment: The variant is not observed in the gnomAD v4.0.0 dataset. Predicted Consequence/Location: The majority of the known disease-causing variants of this gene are variants expected to result in premature termination of the protein. In silico tool predictions suggest damaging effect of the variant on gene or gene product [REVEL: 0.87 (>=0.6, sensitivity 0.68 and specificity 0.92); 3Cnet: 0.99 (>=0.6, sensitivity 0.72 and precision 0.9)]. The variant has been previously reported as de novo in a similarly affected individual (PMID: 33504798). Therefore, this variant is classified as Likely pathogenic according to the recommendation of ACMG/AMP guideline.

Literature cited by the submitters: PubMed 33504798 (cited by 3billion).